The following is an entry in ClinVar:

ClinVar aggregate classification (germline): Likely benign (0 of 4 stars; one submission).

Conditions:
PPFIA1-related disorder. Also called: PPFIA1-related condition.

Allele frequency attached by ClinVar (database versions not stated): TOPMed 0.00003; gnomAD 0.00024; ExAC 0.00112; 1000 Genomes Project 0.00180; 1000 Genomes Project 30x 0.00219.
gnomAD v4.1: 615 of 1,609,036 alleles (0.038%); highest among the groups gnomAD compares: South Asian, 0.65%; 7 homozygotes.

Submission:

PreventionGenetics, part of Exact Sciences
Classification: Likely benign for PPFIA1-related condition. Last evaluated: 2019-04-11. Review status: no assertion criteria provided. Collection method: clinical testing. Allele origin: germline.
Comment: This variant is classified as likely benign based on ACMG/AMP sequence variant interpretation guidelines (Richards et al. 2015 PMID: 25741868, with internal and published modifications).

NM_003626.5(PPFIA1):c.2315+9C>T

Gene: PPFIA1 (PTPRF interacting protein alpha 1; plus strand). Cytogenetic location: 11q13.3.
Variant type: single nucleotide variant.
Coding change: c.2315+9C>T on transcript NM_003626.5 (MANE Select); 9 bases into the intron after coding-DNA position 2315, C replaced by T.
Molecular consequence: intron variant.
Genome position (GRCh38, 1-based): chr11:70,354,461, C>T. VCF-style: chr11-70354461-C-T. GRCh37 (hg19) VCF-style: chr11-70200567-C-T.
Other names: c.2420+9C>T (NM_001378006.1); c.2315+9C>T (NM_177423.3).
Identifiers: ClinVar variation 3058723 (VCV003058723.2), dbSNP rs553436637, ClinGen allele CA6159311.
Genomic context (GRCh38, chr11:70,354,461, plus strand): 5'-ACAAAGGGGCGCTGCACACCGTCAGCCACGAGGACATCAGGGACATAAGGAAGTAAGGAG[C>T]CTGCAGCAGCCCCATGCAGAGCGCACCTGTCTTTTCGTTTCTGGTGTTGAGAAATCGACA-3'